The following is an entry in ClinVar:

NM_005633.4(SOS1):c.512T>C (p.Val171Ala)

Gene: SOS1 (SOS Ras/Rac guanine nucleotide exchange factor 1; minus strand). Cytogenetic location: 2p22.1.
Variant type: single nucleotide variant.
Coding change: c.512T>C on transcript NM_005633.4 (MANE Select); coding-DNA position 512, T replaced by C.
Protein change: p.Val171Ala; replaces valine 171 with alanine.
Molecular consequence: missense variant.
Genome position (GRCh38, 1-based): chr2:39,054,822, A>G on the plus strand (T>C on the coding strand, the complement: SOS1 is on the minus strand). VCF-style: chr2-39054822-A-G. GRCh37 (hg19) VCF-style: chr2-39281963-A-G.
Other names: NM_005633.3(SOS1):c.512T>C; c.491T>C, p.Val164Ala (NM_001382394.1); c.512T>C, p.Val171Ala (NM_001382395.1); short protein forms V171A, V164A.
Identifiers: ClinVar variation 45373 (VCV000045373.10), dbSNP rs397517174, ClinGen allele CA261743.

ClinVar aggregate classification (germline): Likely pathogenic. Review status: reviewed by expert panel (3 of 4 stars). 3 submissions from 3 submitters: Likely pathogenic (1). 2 of the submissions do not count toward it. Last evaluated 2019-02-28.

Conditions:
Noonan syndrome and Noonan-related syndrome. Identifiers: Orphanet 98733, MedGen C5681679, MONDO:0020297.
Noonan syndrome (NS). Also called: Noonan's syndrome. Identifiers: Orphanet 648, MedGen C0028326, MeSH D009634, MONDO:0018997. Disease mechanism: gain of function.

Allele frequency attached by ClinVar (database versions not stated): gnomAD exomes below 0.00001.
gnomAD v4.1: 1 of 1,330,012 alleles (0.000075%); highest among the groups gnomAD compares: Non-Finnish European, 0.00011%; no homozygotes.

Submissions (3):

ClinGen RASopathy Variant Curation Expert Panel
Classification: Likely pathogenic for Noonan syndrome and Noonan-related syndrome. Last evaluated: 2019-02-28. Review status: reviewed by expert panel. Criteria: ClinGen RASopathy ACMG Specifications v1. Collection method: curation. Allele origin: germline. Inheritance: Autosomal dominant inheritance.
Comment: The c.512T>C (p.Val171Ala) variant in SOS1 has been reported as an unconfirmed de novo occurrence in a patient with clinical features of a Noonan spectrum disorder (PM6; Partners LMM internal data; GTR Lab ID: 21766; ClinVar SCV000062240.5). The p.Val171Ala variant has also been identified in another independent occurrences in patients with clinical features of a familial RASopathy (PS4_Supporting; PMID: 29402968). This variant was absent from large population studies (PM2; gnomAD). A different pathogenic missense variant (p.Val171Gly) has been previously identified at this codon of SOS1 which may indicate that this residue is critical to the function of the protein (PM5; ClinVar 40654). The variant is located in the SOS1 gene, which has been defined by the ClinGen RASopathy Expert Panel as a gene with a low rate of benign missense variants and pathogenic missense variants are common (PP2; PMID: 29493581). In summary, this variant meets criteria to be classified as likely pathogenic for RASopathies in an autosomal dominant manner. RASopathy-specific ACMG/AMP criteria applied (PMID:29493581): PM6, PM5, PM2, PS4_Supporting, PP2.

Revvity Omics, Revvity
Classification: Likely pathogenic. Last evaluated: 2020-08-31. Review status: criteria provided, single submitter. Criteria: ACMG Guidelines, 2015. Collection method: clinical testing. Allele origin: germline. Not counted in ClinVar's aggregate classification.

Laboratory for Molecular Medicine, Mass General Brigham Personalized Medicine
Classification: Likely pathogenic for Noonan syndrome. Last evaluated: 2014-09-25. Review status: criteria provided, single submitter. Criteria: LMM Criteria. Collection method: clinical testing. Allele origin: germline. Observed: 1 variant allele. Not counted in ClinVar's aggregate classification.
Comment: It was absent from large population studies. Com putational prediction tools and conservation analysis do not provide strong supp ort for or against an impact to the protein. In summary, while the available dat a on the Val171Ala variant is suspicious to be pathogenic, the clinical signific ance of this variant is uncertain.

Literature cited by the submitters: PubMed 29402968 (cited by ClinGen RASopathy Variant Curation Expert Panel).